The following is an entry in ClinVar:

NM_000238.4(KCNH2):c.2009C>T (p.Thr670Ile)

Gene: KCNH2 (potassium voltage-gated channel subfamily H member 2; minus strand). Cytogenetic location: 7q36.1.
Variant type: single nucleotide variant.
Coding change: c.2009C>T on transcript NM_000238.4 (MANE Select); coding-DNA position 2009, C replaced by T.
Protein change: p.Thr670Ile; replaces threonine 670 with isoleucine.
Molecular consequence: missense variant. On other transcripts: non-coding transcript variant (2).
Genome position (GRCh38, 1-based): chr7:150,951,057, G>A on the plus strand (C>T on the coding strand, the complement: KCNH2 is on the minus strand). VCF-style: chr7-150951057-G-A. GRCh37 (hg19) VCF-style: chr7-150648145-G-A.
Other names: c.989C>T, p.Thr330Ile (NM_001204798.2, NM_172057.3); c.1721C>T, p.Thr574Ile (NM_001406753.1, NM_001406756.1); c.1832C>T, p.Thr611Ile (NM_001406755.1); c.1709C>T, p.Thr570Ile (NM_001406757.1); c.2009C>T, p.Thr670Ile (NM_172056.3); short protein forms T570I, T574I, T611I, T330I, T670I.
Identifiers: ClinVar variation 2919164 (VCV002919164.5), dbSNP rs1801133286, ClinGen allele CA369857660.

ClinVar aggregate classification (germline): Uncertain significance. Review status: criteria provided, multiple submitters, no conflicts (2 of 4 stars). 2 submissions from 2 submitters: Uncertain significance (2). Last evaluated 2024-08-06.

Conditions:
Long QT syndrome (LQTS). Identifiers: MedGen C0023976, MeSH D008133, MONDO:0002442. Disease mechanism: loss of function. Inheritance: Various modes of inheritance.

Allele frequency attached by ClinVar (database versions not stated): TOPMed below 0.00001.

Submissions (2):

All of Us Research Program, National Institutes of Health
Classification: Uncertain significance for Long QT syndrome. Last evaluated: 2024-08-06. Review status: criteria provided, single submitter. Criteria: ACMG Guidelines, 2015. Collection method: clinical testing. Allele origin: germline. Inheritance: Autosomal dominant inheritance. Observed: 3 variant alleles, 3 heterozygotes.
Comment: This missense variant replaces threonine with isoleucine at codon 670 of the KCNH2 protein. Computational prediction suggests that this variant may have deleterious impact on protein structure and function (internally defined REVEL score threshold >= 0.7, PMID: 27666373). To our knowledge, functional studies have not been reported for this variant. This variant has not been identified in the general population by the Genome Aggregation Database (gnomAD). The available evidence is insufficient to determine the role of this variant in disease conclusively. Therefore, this variant is classified as a Variant of Uncertain Significance.

This study involves interpretation of variants in research participants for the purpose of population health screening. Participant phenotype was not available at the time of variant classification. Additional details can be found in publication PMID: 35346344, PMCID: PMC8962531

Labcorp Genetics (formerly Invitae), Labcorp
Classification: Uncertain significance for Long QT syndrome. Last evaluated: 2023-02-10. Review status: criteria provided, single submitter. Criteria: Invitae Variant Classification Sherloc (09022015). Collection method: clinical testing. Allele origin: germline.
Comment: This sequence change replaces threonine, which is neutral and polar, with isoleucine, which is neutral and non-polar, at codon 670 of the KCNH2 protein (p.Thr670Ile). This variant is not present in population databases (gnomAD no frequency). This variant has not been reported in the literature in individuals affected with KCNH2-related conditions. Algorithms developed to predict the effect of missense changes on protein structure and function (SIFT, PolyPhen-2, Align-GVGD) all suggest that this variant is likely to be disruptive. In summary, the available evidence is currently insufficient to determine the role of this variant in disease. Therefore, it has been classified as a Variant of Uncertain Significance.

Literature cited by the submitters: PubMed 34884666 (cited by All of Us Research Program, National Institutes of Health).